The following is an entry in ClinVar:

NM_006949.4(STXBP2):c.499C>T (p.Arg167Trp)

Gene: STXBP2 (syntaxin binding protein 2; plus strand). Cytogenetic location: 19p13.2.
Variant type: single nucleotide variant.
Coding change: c.499C>T on transcript NM_006949.4 (MANE Select); coding-DNA position 499, C replaced by T.
Protein change: p.Arg167Trp; replaces arginine 167 with tryptophan.
Molecular consequence: missense variant. On other transcripts: non-coding transcript variant (1).
Genome position (GRCh38, 1-based): chr19:7,641,774, C>T. VCF-style: chr19-7641774-C-T. GRCh37 (hg19) VCF-style: chr19-7706660-C-T.
Other names: c.499C>T (NM_006949.2); c.490C>T, p.Arg164Trp (NM_001127396.3); c.532C>T, p.Arg178Trp (NM_001272034.2); short protein forms R167W, R164W, R178W.
Identifiers: ClinVar variation 845614 (VCV000845614.9), dbSNP rs768296460, ClinGen allele CA9143674.

ClinVar aggregate classification (germline): Uncertain significance. Review status: criteria provided, multiple submitters, no conflicts (2 of 4 stars). 5 submissions from 5 submitters: Uncertain significance (4). 1 of the submissions does not count toward it. Last evaluated 2025-02-26.

Conditions:
Inborn genetic diseases. Identifiers: MedGen C0950123, MeSH D030342.
Thrombocytopenia. Identifiers: MedGen C0040034, MeSH D013921, MONDO:0002049, HP:0001873.
Abnormal bleeding. Also called: Bleeding diathesis. Identifiers: MedGen C1458140, HP:0001892.
Familial hemophagocytic lymphohistiocytosis 5. Also called: STXBP2-Related Familial Hemophagocytic Lymphohistiocytosis (STXBP2-fHLH). Identifiers: Orphanet 540, MedGen C2751293, MONDO:0013135, OMIM 613101.

Allele frequency attached by ClinVar (database versions not stated): gnomAD exomes 0.00003 and 0.00007; ExAC 0.00005; gnomAD 0.00006; TOPMed 0.00007.
gnomAD v4.1: 109 of 1,551,838 alleles (0.007%); highest among the groups gnomAD compares: Non-Finnish European, 0.0086%; no homozygotes.

Submissions (5):

Ambry Genetics
Classification: Uncertain significance for Inborn genetic diseases. Last evaluated: 2025-02-26. Review status: criteria provided, single submitter. Criteria: Ambry Variant Classification Scheme 2023. Collection method: clinical testing. Allele origin: germline.

Women's Health and Genetics/Laboratory Corporation of America, LabCorp
Classification: Uncertain significance. Last evaluated: 2024-04-03. Review status: criteria provided, single submitter. Criteria: LabCorp Variant Classification Summary - May 2015. Collection method: clinical testing. Allele origin: germline.
Comment: Variant summary: STXBP2 c.499C>T (p.Arg167Trp) results in a non-conservative amino acid change in the encoded protein sequence. Three of five in-silico tools predict a damaging effect of the variant on protein function. The variant allele was found at a frequency of 2.5e-05 in 157272 control chromosomes (gnomAD). The available data on variant occurrences in the general population are insufficient to allow any conclusion about variant significance. c.499C>T has been reported in the literature in the heterozygous state in an individual affected with macro-thrombocytopenia (Almazni_2020). This report does not provide unequivocal conclusions about association of the variant with Familial Hemophagocytic Lymphohistiocytosis. To our knowledge, no experimental evidence demonstrating an impact on protein function has been reported. The following publication has been ascertained in the context of this evaluation (PMID: 32935436). ClinVar contains an entry for this variant (Variation ID: 845614). Based on the evidence outlined above, the variant was classified as uncertain significance.

Blueprint Genetics
Classification: Uncertain significance. Last evaluated: 2024-01-04. Review status: criteria provided, single submitter. Criteria: ACMG Guidelines, 2015. Collection method: clinical testing. Allele origin: germline.

Labcorp Genetics (formerly Invitae), Labcorp
Classification: Uncertain significance for Familial hemophagocytic lymphohistiocytosis 5. Last evaluated: 2022-07-19. Review status: criteria provided, single submitter. Criteria: Invitae Variant Classification Sherloc (09022015). Collection method: clinical testing. Allele origin: germline.
Comment: This sequence change replaces arginine, which is basic and polar, with tryptophan, which is neutral and slightly polar, at codon 167 of the STXBP2 protein (p.Arg167Trp). This variant is present in population databases (rs768296460, gnomAD 0.007%). This variant has not been reported in the literature in individuals affected with STXBP2-related conditions. ClinVar contains an entry for this variant (Variation ID: 845614). Algorithms developed to predict the effect of missense changes on protein structure and function are either unavailable or do not agree on the potential impact of this missense change (SIFT: "Deleterious"; PolyPhen-2: "Possibly Damaging"; Align-GVGD: "Class C0"). In summary, the available evidence is currently insufficient to determine the role of this variant in disease. Therefore, it has been classified as a Variant of Uncertain Significance.

Birmingham Platelet Group; University of Birmingham
Classification: Uncertain significance for Thrombocytopenia; Abnormal bleeding. Last evaluated: 2020-05-01. Review status: no assertion criteria provided. Collection method: research. Allele origin: germline. Affected: yes. Not counted in ClinVar's aggregate classification.

Literature cited by the submitters: PubMed 32935436 (cited by Women's Health and Genetics/Laboratory Corporation of America, LabCorp).